The following is an entry in ClinVar:

GRCh37/hg19 1q23.3(chr1:161279433-161385237)x1

Genes: CFAP126 (cilia and flagella associated protein 126; minus strand), MPZ (myelin protein zero; minus strand), SDHC (succinate dehydrogenase complex subunit C; plus strand). Cytogenetic location: 1q23.3.
Variant type: copy number loss.
Change: copy number 1 (one copy instead of two) of chr1:161,279,433-161,385,237 (105.8 kb, GRCh37 coordinates, 1-based), cytogenetic band 1q23.3.
Identifiers: ClinVar variation 1328459 (VCV001328459.4).

ClinVar aggregate classification (germline): Pathogenic (1 of 4 stars; one submission).

Submission:

Illumina Laboratory Services, Illumina
Classification: Pathogenic. Last evaluated: 2021-03-09. Review status: criteria provided, single submitter. Criteria: ICSL CNVClassificationCriteria Aug2020. Collection method: clinical testing. Allele origin: unknown.
Comment: This CNV is a 106 kb loss of chromosome 1 at 1q23.3, (seq[GRCh37]del(1)(1q23.3; chr1:g.161279433_161385237del), of unknown inheritance. This CNV affects three protein coding genes, including CFAP126, SDHC, and MPZ. It constitutes a full deletion of the SDHC gene and a deletion of exon 1 of the MPZ gene. SDHC haploinsufficiency is a well-established mechanism for hereditary paraganglioma-pheochromocytoma syndrome, with single and multi-exon deletions as well as essential splice and stop-gained variants reported (Else et al. 2008). Loss of function or disruption of the MPZ gene, including due to copy number variants, is a known cause of Charcot-Marie-Tooth disease and other MPZ-related disorders (DiVincenzo et al. 2014; Salpietro et al. 2018). Loss of exon 1, including the initiation codon, is predicted to severely disrupt protein expression, as there is no nearby alternative start site. The functional consequences of this deletion on MPZ function have not been evaluated experimentally, but a variant disrupting the initiation codon has been previously reported in an affected individual (DiVincenzo et al. 2014). Similar deletions have not been reported in controls. Based on this evidence, this CNV is classified as pathogenic.

Literature cited by the submitters: PubMed 20301715; PubMed 25614874; PubMed 30258273.